The following is an entry in ClinVar:

ClinVar aggregate classification (germline): Uncertain significance (1 of 4 stars; one submission).

Conditions:
Inborn genetic diseases. Identifiers: MedGen C0950123, MeSH D030342.

Submission:

Ambry Genetics
Classification: Uncertain significance for Inborn genetic diseases. Last evaluated: 2022-05-07. Review status: criteria provided, single submitter. Criteria: Ambry Variant Classification Scheme 2023. Collection method: clinical testing. Allele origin: germline.
Comment: The p.F27S variant (also known as c.80T>C), located in coding exon 2 of the AKT1 gene, results from a T to C substitution at nucleotide position 80. The phenylalanine at codon 27 is replaced by serine, an amino acid with highly dissimilar properties. This amino acid position is conserved. In addition, this alteration is predicted to be deleterious by in silico analysis. Since supporting evidence is limited at this time, the clinical significance of this alteration remains unclear.

NM_001382430.1(AKT1):c.80T>C (p.Phe27Ser)

Gene: AKT1 (AKT serine/threonine kinase 1; minus strand). Cytogenetic location: 14q32.33.
Variant type: single nucleotide variant.
Coding change: c.80T>C on transcript NM_001382430.1 (MANE Select); coding-DNA position 80, T replaced by C.
Protein change: p.Phe27Ser; replaces phenylalanine 27 with serine.
Molecular consequence: missense variant.
Genome position (GRCh38, 1-based): chr14:104,780,183, A>G on the plus strand (T>C on the coding strand, the complement: AKT1 is on the minus strand). VCF-style: chr14-104780183-A-G. GRCh37 (hg19) VCF-style: chr14-105246520-A-G.
Other names: c.80T>C, p.Phe27Ser (NM_001014431.2, NM_001014432.2, NM_001382431.1 and 3 more transcripts); short protein forms F27S.
Identifiers: ClinVar variation 1762004 (VCV001762004.2), dbSNP rs2140949629, ClinGen allele CA391221725.